The following is an entry in ClinVar:

ClinVar aggregate classification (germline): Uncertain significance. Review status: criteria provided, multiple submitters, no conflicts (2 of 4 stars). 3 submissions from 3 submitters: Uncertain significance (3). Last evaluated 2026-01-08.

Conditions:
Inborn genetic diseases. Identifiers: MedGen C0950123, MeSH D030342.

gnomAD v4.1: 7 of 1,607,918 alleles (0.00044%); highest among the groups gnomAD compares: Admixed American, 0.0017%; no homozygotes.

Submissions (3):

Labcorp Genetics (formerly Invitae), Labcorp
Classification: Uncertain significance. Last evaluated: 2026-01-08. Review status: criteria provided, single submitter. Criteria: Invitae Variant Classification Sherloc (09022015). Collection method: clinical testing. Allele origin: germline.
Comment: This sequence change replaces threonine, which is neutral and polar, with isoleucine, which is neutral and non-polar, at codon 443 of the DCHS1 protein (p.Thr443Ile). This variant is present in population databases (rs746821895, gnomAD 0.007%). This variant has not been reported in the literature in individuals affected with DCHS1-related conditions. ClinVar contains an entry for this variant (Variation ID: 3665279). Invitae Evidence Modeling of protein sequence and biophysical properties (such as structural, functional, and spatial information, amino acid conservation, physicochemical variation, residue mobility, and thermodynamic stability) indicates that this missense variant is not expected to disrupt DCHS1 protein function with a negative predictive value of 80%. In summary, the available evidence is currently insufficient to determine the role of this variant in disease. Therefore, it has been classified as a Variant of Uncertain Significance.

Ambry Genetics
Classification: Uncertain significance for Inborn genetic diseases. Last evaluated: 2025-03-08. Review status: criteria provided, single submitter. Criteria: Ambry Variant Classification Scheme 2023. Collection method: clinical testing. Allele origin: germline.

GeneDx
Classification: Uncertain significance. Last evaluated: 2022-12-07. Review status: criteria provided, single submitter. Criteria: GeneDx Variant Classification Process June 2021. Collection method: clinical testing. Allele origin: germline.
Comment: In silico analysis supports that this missense variant does not alter protein structure/function; Has not been previously published as pathogenic or benign to our knowledge

NM_003737.4(DCHS1):c.1328C>T (p.Thr443Ile)

Gene: DCHS1 (dachsous cadherin-related 1; minus strand). Cytogenetic location: 11p15.4.
Variant type: single nucleotide variant.
Coding change: c.1328C>T on transcript NM_003737.4 (MANE Select); coding-DNA position 1328, C replaced by T.
Protein change: p.Thr443Ile; replaces threonine 443 with isoleucine.
Molecular consequence: missense variant.
Genome position (GRCh38, 1-based): chr11:6,640,286, G>A on the plus strand (C>T on the coding strand, the complement: DCHS1 is on the minus strand). VCF-style: chr11-6640286-G-A. GRCh37 (hg19) VCF-style: chr11-6661517-G-A.
Other names: c.1328C>T (NM_003737.2, NM_003737.3); short protein forms T443I.
Identifiers: ClinVar variation 3665279 (VCV003665279.4).